The following is an entry in ClinVar:

ClinVar aggregate classification (germline): Uncertain significance (1 of 4 stars; one submission).

Conditions:
Nemaline myopathy 2 (NEM2). Also called: Nemaline myopathy 2, autosomal recessive. Identifiers: MedGen C1850569, MONDO:0009725, OMIM 256030.

Allele frequency attached by ClinVar (database versions not stated): gnomAD 0.00001.
gnomAD v4.1: 16 of 1,613,404 alleles (0.00099%); highest among the groups gnomAD compares: Non-Finnish European, 0.0014%; no homozygotes.

Submission:

Labcorp Genetics (formerly Invitae), Labcorp
Classification: Uncertain significance for Nemaline myopathy 2. Last evaluated: 2022-09-13. Review status: criteria provided, single submitter. Criteria: Invitae Variant Classification Sherloc (09022015). Collection method: clinical testing. Allele origin: germline.
Comment: This sequence change falls in intron 182 of the NEB gene. It does not directly change the encoded amino acid sequence of the NEB protein. It affects a nucleotide within the consensus splice site. This variant is not present in population databases (gnomAD no frequency). This variant has not been reported in the literature in individuals affected with NEB-related conditions. ClinVar contains an entry for this variant (Variation ID: 1420420). Variants that disrupt the consensus splice site are a relatively common cause of aberrant splicing (PMID: 17576681, 9536098). Algorithms developed to predict the effect of sequence changes on RNA splicing suggest that this variant may disrupt the consensus splice site. In summary, the available evidence is currently insufficient to determine the role of this variant in disease. Therefore, it has been classified as a Variant of Uncertain Significance.

Literature cited by the submitters: PubMed 17576681; PubMed 9536098.

NM_001164508.2(NEB):c.25405-3T>G

Genes: NEB (nebulin; minus strand), RIF1 (replication timing regulatory factor 1; plus strand). Cytogenetic location: 2q23.3.
Variant type: single nucleotide variant.
Coding change: c.25405-3T>G on transcript NM_001164508.2 (MANE Select); 3 bases into the intron before coding-DNA position 25405, T replaced by G.
Molecular consequence: intron variant.
Genome position (GRCh38, 1-based): chr2:151,485,936, A>C on the plus strand (T>G on the coding strand, the complement: NEB is on the minus strand). VCF-style: chr2-151485936-A-C. GRCh37 (hg19) VCF-style: chr2-152342450-A-C.
Other names: c.19837-3T>G (NM_004543.5); c.25405-3T>G (NM_001164507.2); c.25510-3T>G (NM_001271208.2).
Identifiers: ClinVar variation 1420420 (VCV001420420.3), dbSNP rs1222497271, ClinGen allele CA1037856707.
Genomic context (GRCh38, chr2:151,485,936, plus strand): 5'-TGAAGGACACCTCATCTGCATCAGCAGCCATATAGTCATACATGGCACGGAAGATTTTCT[A>C]TTCGTGGGGATGGAAAAGGGGAAATATTATATGTTGGATTTGCAACAGTTAACACACATC-3'